The following is an entry in ClinVar:

NM_001388492.1(HTT):c.9131C>T (p.Thr3044Met)

Gene: HTT (huntingtin; plus strand). Cytogenetic location: 4p16.3.
Variant type: single nucleotide variant.
Coding change: c.9131C>T on transcript NM_001388492.1 (MANE Select); coding-DNA position 9131, C replaced by T.
Protein change: p.Thr3044Met; replaces threonine 3044 with methionine.
Molecular consequence: missense variant.
Genome position (GRCh38, 1-based): chr4:3,238,894, C>T. VCF-style: chr4-3238894-C-T. GRCh37 (hg19) VCF-style: chr4-3240621-C-T.
Other names: c.9137C>T, p.Thr3046Met (NM_002111.8); short protein forms T3046M, T3044M.
Identifiers: ClinVar variation 1405838 (VCV001405838.6), dbSNP rs1248764175, ClinGen allele CA356078520.

ClinVar aggregate classification (germline): Uncertain significance (1 of 4 stars; one submission).

Allele frequency attached by ClinVar (database versions not stated): gnomAD 0.00001 and 0.00003; TOPMed 0.00002.

Submission:

Labcorp Genetics (formerly Invitae), Labcorp
Classification: Uncertain significance. Last evaluated: 2021-05-29. Review status: criteria provided, single submitter. Criteria: Invitae Variant Classification Sherloc (09022015). Collection method: clinical testing. Allele origin: germline.
Comment: In summary, the available evidence is currently insufficient to determine the role of this variant in disease. Therefore, it has been classified as a Variant of Uncertain Significance. Experimental studies and prediction algorithms are not available or were not evaluated, and the functional significance of this variant is currently unknown. This variant has not been reported in the literature in individuals with HTT-related conditions. This variant is not present in population databases (ExAC no frequency). This sequence change replaces threonine with methionine at codon 3046 of the HTT protein (p.Thr3046Met). The threonine residue is moderately conserved and there is a moderate physicochemical difference between threonine and methionine.